The following is an entry in ClinVar:

NM_001379200.1(TBX1):c.801G>T (p.Glu267Asp)

Gene: TBX1 (T-box transcription factor 1; plus strand). Cytogenetic location: 22q11.21.
Variant type: single nucleotide variant.
Coding change: c.801G>T on transcript NM_001379200.1 (MANE Select); coding-DNA position 801, G replaced by T.
Protein change: p.Glu267Asp; replaces glutamic acid 267 with aspartic acid.
Molecular consequence: missense variant.
Genome position (GRCh38, 1-based): chr22:19,765,047, G>T. VCF-style: chr22-19765047-G-T. GRCh37 (hg19) VCF-style: chr22-19752570-G-T.
Other names: c.774G>T, p.Glu258Asp (NM_005992.1, NM_080646.2, NM_080647.1); short protein forms E258D, E267D.
Identifiers: ClinVar variation 2734972 (VCV002734972.3), dbSNP rs2517852181, ClinGen allele CA410683418.

ClinVar aggregate classification (germline): Uncertain significance (1 of 4 stars; one submission).

Conditions:
DiGeorge syndrome. Also called: Catch22; THIRD AND FOURTH PHARYNGEAL POUCH SYNDROME. Identifiers: Orphanet 567, MedGen C0012236, MONDO:0008564, OMIM 188400.

Submission:

Labcorp Genetics (formerly Invitae), Labcorp
Classification: Uncertain significance for DiGeorge syndrome. Last evaluated: 2023-05-28. Review status: criteria provided, single submitter. Criteria: Invitae Variant Classification Sherloc (09022015). Collection method: clinical testing. Allele origin: germline.
Comment: In summary, the available evidence is currently insufficient to determine the role of this variant in disease. Therefore, it has been classified as a Variant of Uncertain Significance. Advanced modeling of protein sequence and biophysical properties (such as structural, functional, and spatial information, amino acid conservation, physicochemical variation, residue mobility, and thermodynamic stability) performed at Invitae indicates that this missense variant is not expected to disrupt TBX1 protein function. This variant has not been reported in the literature in individuals affected with TBX1-related conditions. This variant is not present in population databases (gnomAD no frequency). This sequence change replaces glutamic acid, which is acidic and polar, with aspartic acid, which is acidic and polar, at codon 258 of the TBX1 protein (p.Glu258Asp).